The following is an entry in ClinVar:

ClinVar aggregate classification (germline): Uncertain significance (0 of 4 stars; one submission).

Conditions:
SEMA3B-related disorder. Also called: SEMA3B-related condition.

Submission:

PreventionGenetics, part of Exact Sciences
Classification: Uncertain significance for SEMA3B-related condition. Last evaluated: 2024-02-22. Review status: no assertion criteria provided. Collection method: clinical testing. Allele origin: germline.
Comment: The SEMA3B c.2168C>T variant is predicted to result in the amino acid substitution p.Ser723Leu. To our knowledge, this variant has not been reported in the literature or in a large population database, indicating this variant is rare. At this time, the clinical significance of this variant is uncertain due to the absence of conclusive functional and genetic evidence.

NM_001290060.2(SEMA3B):c.2153C>T (p.Ser718Leu)

Gene: SEMA3B (semaphorin 3B; plus strand). Cytogenetic location: 3p21.31.
Variant type: single nucleotide variant.
Coding change: c.2153C>T on transcript NM_001290060.2 (MANE Select); coding-DNA position 2153, C replaced by T.
Protein change: p.Ser718Leu; replaces serine 718 with leucine.
Molecular consequence: missense variant. On other transcripts: non-coding transcript variant (1).
Genome position (GRCh38, 1-based): chr3:50,276,609, C>T. VCF-style: chr3-50276609-C-T. GRCh37 (hg19) VCF-style: chr3-50314040-C-T.
Other names: c.2150C>T, p.Ser717Leu (NM_001005914.3); c.2168C>T, p.Ser723Leu (NM_001290061.1); c.1124C>T, p.Ser375Leu (NM_001290062.2, NM_001290063.2); c.2153C>T, p.Ser718Leu (NM_004636.4); short protein forms S375L, S717L, S718L, S723L.
Identifiers: ClinVar variation 3353594 (VCV003353594.1).